The following is an entry in ClinVar:

NM_018076.5(ODAD2):c.1297G>C (p.Asp433His)

Gene: ODAD2 (outer dynein arm docking complex subunit 2; minus strand). Cytogenetic location: 10p12.1.
Variant type: single nucleotide variant.
Coding change: c.1297G>C on transcript NM_018076.5 (MANE Select); coding-DNA position 1297, G replaced by C.
Protein change: p.Asp433His; replaces aspartic acid 433 with histidine.
Molecular consequence: missense variant. On other transcripts: 5 prime UTR variant (1).
Genome position (GRCh38, 1-based): chr10:27,961,657, C>G on the plus strand (G>C on the coding strand, the complement: ODAD2 is on the minus strand). VCF-style: chr10-27961657-C-G. GRCh37 (hg19) VCF-style: chr10-28250586-C-G.
Other names: c.1297G>C, p.Asp433His (NM_001290020.2); c.-129G>C (NM_001290021.2); c.373G>C, p.Asp125His (NM_001312689.2); short protein forms D125H, D433H.
Identifiers: ClinVar variation 1053471 (VCV001053471.6), dbSNP rs1399843893, ClinGen allele CA376394806.

ClinVar aggregate classification (germline): Uncertain significance (1 of 4 stars; one submission).

Conditions:
Primary ciliary dyskinesia 23 (CILD23). Also called: CILIARY DYSKINESIA, PRIMARY, 23, WITH OR WITHOUT SITUS INVERSUS. Identifiers: Orphanet 244, MedGen C3809548, MONDO:0014193, OMIM 615451.

Allele frequency attached by ClinVar (database versions not stated): TOPMed below 0.00001; gnomAD 0.00001.
gnomAD v4.1: 1 of 1,608,190 alleles (0.000062%); highest among the groups gnomAD compares: African/African-American, 0.0013%; no homozygotes.

Submission:

Labcorp Genetics (formerly Invitae), Labcorp
Classification: Uncertain significance for Primary ciliary dyskinesia 23. Last evaluated: 2021-08-24. Review status: criteria provided, single submitter. Criteria: Invitae Variant Classification Sherloc (09022015). Collection method: clinical testing. Allele origin: germline.
Comment: This sequence change replaces aspartic acid with histidine at codon 433 of the ARMC4 protein (p.Asp433His). The aspartic acid residue is moderately conserved and there is a moderate physicochemical difference between aspartic acid and histidine. This variant is not present in population databases (ExAC no frequency). This variant has not been reported in the literature in individuals affected with ARMC4-related conditions. Algorithms developed to predict the effect of missense changes on protein structure and function are either unavailable or do not agree on the potential impact of this missense change (SIFT: "Deleterious"; PolyPhen-2: "Probably Damaging"; Align-GVGD: "Class C0"). In summary, the available evidence is currently insufficient to determine the role of this variant in disease. Therefore, it has been classified as a Variant of Uncertain Significance.